The following is an entry in ClinVar:

NM_007294.4(BRCA1):c.3771G>C (p.Glu1257Asp)

Genes: BRCA1 (BRCA1 DNA repair associated; minus strand), LOC126862571 (BRD4-independent group 4 enhancer GRCh37_chr17:41243136-41244335; plus strand). Cytogenetic location: 17q21.31.
Variant type: single nucleotide variant.
Coding change: c.3771G>C on transcript NM_007294.4 (MANE Select); coding-DNA position 3771, G replaced by C.
Protein change: p.Glu1257Asp; replaces glutamic acid 1257 with aspartic acid.
Molecular consequence: missense variant. On other transcripts: intron variant (135).
Genome position (GRCh38, 1-based): chr17:43,091,760, C>G on the plus strand (G>C on the coding strand, the complement: BRCA1 is on the minus strand). VCF-style: chr17-43091760-C-G. GRCh37 (hg19) VCF-style: chr17-41243777-C-G.
Other names: c.785-728G>C (NM_001408399.1, NM_001407984.1, NM_001408397.1 and 13 more transcripts); c.788-728G>C (NM_001407975.1, NM_001408403.1, NM_001407983.1 and 17 more transcripts); c.665-728G>C (NM_001408443.1, NM_001408439.1, NM_001408425.1 and 12 more transcripts); c.671-728G>C (NM_001408419.1, NM_001408423.1, NM_001408420.1 and 2 more transcripts); c.3771G>C, p.Glu1257Asp (NM_001407640.1, NM_001407641.1, NM_001407642.1 and 30 more transcripts); c.3768G>C, p.Glu1256Asp (NM_001407644.1, NM_001407645.1, NM_001407587.1 and 22 more transcripts); c.3762G>C, p.Glu1254Asp (NM_001407646.1, NM_001407647.1); c.3648G>C, p.Glu1216Asp (NM_001407648.1, NM_001407664.1, NM_001407665.1 and 19 more transcripts); and 41 more; short protein forms E1129D, E1169D, E1186D, E1187D, E1209D, E1254D, E961D, E1130D.
Identifiers: ClinVar variation 2591721 (VCV002591721.3), dbSNP rs1597861430, ClinGen allele CA10594429.
Genomic context (GRCh38, chr17:43,091,760, plus strand): 5'-TGCCAATATTACCTGGTTACTGCAGTCATTTAAGCTATTCTTCAATGATAATAAATTCTC[C>G]TCTGTGTTCTTAGACAGACACTCGGTAGCAACGGTGCTATGCCTAGTAGACTGAGAAGGT-3'
Protein context (NP_009225.1, residues 1247-1267): VATECLSKNT[Glu1257Asp]ENLLSLKNSL

ClinVar aggregate classification (germline): Uncertain significance. Review status: criteria provided, multiple submitters, no conflicts (2 of 4 stars). 2 submissions from 2 submitters: Uncertain significance (2). Last evaluated 2024-09-26.

Conditions:
Hereditary cancer-predisposing syndrome. Also called: Tumor predisposition; Hereditary Cancer Syndrome; Hereditary neoplastic syndrome; Neoplastic Syndromes, Hereditary. Identifiers: Orphanet 140162, MedGen C0027672, MeSH D009386, MONDO:0015356.
BRCA1-related cancer predisposition. Identifiers: MedGen CN377757, MONDO:0700268.

Submissions (2):

All of Us Research Program, National Institutes of Health
Classification: Uncertain significance for BRCA1-related cancer predisposition. Last evaluated: 2024-09-26. Review status: criteria provided, single submitter. Criteria: ACMG Guidelines, 2015. Collection method: clinical testing. Allele origin: germline. Inheritance: Autosomal dominant inheritance. Observed: 1 variant allele, 1 heterozygote.
Comment: This missense variant replaces glutamic acid with aspartic acid at codon 1257 of the BRCA1 protein. Computational prediction is inconclusive regarding the impact of this variant on protein structure and function. To our knowledge, functional studies have not been reported for this variant. This variant has not been reported in individuals affected with BRCA1-related disorders in the literature. This variant has not been identified in the general population by the Genome Aggregation Database (gnomAD). The available evidence is insufficient to determine the role of this variant in disease conclusively. Therefore, this variant is classified as a Variant of Uncertain Significance.

This study involves interpretation of variants in research participants for the purpose of population health screening. Participant phenotype was not available at the time of variant classification. Additional details can be found in publication PMID: 35346344, PMCID: PMC8962531

Ambry Genetics
Classification: Uncertain significance for Hereditary cancer-predisposing syndrome. Last evaluated: 2023-06-30. Review status: criteria provided, single submitter. Criteria: Ambry Variant Classification Scheme 2023. Collection method: clinical testing. Allele origin: germline.
Comment: The p.E1257D variant (also known as c.3771G>C), located in coding exon 9 of the BRCA1 gene, results from a G to C substitution at nucleotide position 3771. The glutamic acid at codon 1257 is replaced by aspartic acid, an amino acid with highly similar properties. This amino acid position is not well conserved in available vertebrate species. In addition, the in silico prediction for this alteration is inconclusive. Since supporting evidence is limited at this time, the clinical significance of this alteration remains unclear.